The following is an entry in ClinVar:

ClinVar aggregate classification (germline): Uncertain significance. Review status: criteria provided, multiple submitters, no conflicts (2 of 4 stars). 3 submissions from 3 submitters: Uncertain significance (3). Last evaluated 2025-05-01.

gnomAD v4.1: 122 of 1,614,058 alleles (0.0076%); highest among the groups gnomAD compares: South Asian, 0.038%; 1 homozygote.

Submissions (3):

Ambry Genetics
Classification: Uncertain significance. Last evaluated: 2025-05-01. Review status: criteria provided, single submitter. Criteria: Ambry Variant Classification Scheme 2023. Collection method: clinical testing. Allele origin: germline.

CeGaT Center for Human Genetics Tuebingen
Classification: Uncertain significance. Last evaluated: 2025-04-01. Review status: criteria provided, single submitter. Criteria: CeGaT Center For Human Genetics Tuebingen Variant Classification Criteria Version 2. Collection method: clinical testing. Allele origin: germline. Affected: yes. Observed: 1 variant allele.
Comment: KATNIP: PM2, PM3:Supporting, BP4, BP5

Blueprint Genetics
Classification: Uncertain significance. Last evaluated: 2024-11-25. Review status: criteria provided, single submitter. Criteria: ACMG Guidelines, 2015. Collection method: clinical testing. Allele origin: germline.

NM_015202.5(KATNIP):c.253C>T (p.Arg85Trp)

Gene: KATNIP (katanin interacting protein; plus strand). Cytogenetic location: 16p12.1.
Variant type: single nucleotide variant.
Coding change: c.253C>T on transcript NM_015202.5 (MANE Select); coding-DNA position 253, C replaced by T.
Protein change: p.Arg85Trp; replaces arginine 85 with tryptophan.
Molecular consequence: missense variant.
Genome position (GRCh38, 1-based): chr16:27,628,773, C>T. VCF-style: chr16-27628773-C-T. GRCh37 (hg19) VCF-style: chr16-27640094-C-T.
Other names: c.253C>T (NM_015202.2); short protein forms R85W.
Identifiers: ClinVar variation 3898293 (VCV003898293.9).